The following is an entry in ClinVar:

ClinVar aggregate classification (germline): Uncertain significance. Review status: criteria provided, multiple submitters, no conflicts (2 of 4 stars). 5 submissions from 5 submitters: Uncertain significance (5). Last evaluated 2025-06-12.

Conditions:
Paramyotonia congenita of Von Eulenburg. Also called: Eulenburg disease; Myotonia congenita intermittens; Von Eulenburg paramyotonia congenita; Paramyotonia Congenita; PARALYSIS PERIODICA PARAMYOTONICA. Identifiers: Orphanet 684, MedGen C0221055, MONDO:0008195, OMIM 168300. Disease mechanism: loss of function.
Hyperkalemic periodic paralysis. Also called: Familial hyperkalemic periodic paralysis; Gamstorp disease. Identifiers: Orphanet 682, MedGen C0238357, MONDO:0008224, OMIM 170500, HP:0007215.
SCN4A-related myopathy, autosomal recessive. Identifiers: MedGen CN294783, MONDO:0100121.

Allele frequency attached by ClinVar (database versions not stated): ExAC 0.00002; gnomAD exomes 0.00002; TOPMed 0.00002.

Submissions (5):

Greenwood Genetic Center Diagnostic Laboratories, Greenwood Genetic Center
Classification: Uncertain significance. Last evaluated: 2025-06-12. Review status: criteria provided, single submitter. Criteria: ACMG Guidelines, 2015. Collection method: clinical testing. Allele origin: germline. Affected: yes.
Comment: PM2

Labcorp Genetics (formerly Invitae), Labcorp
Classification: Uncertain significance for Hyperkalemic periodic paralysis. Last evaluated: 2023-08-03. Review status: criteria provided, single submitter. Criteria: Invitae Variant Classification Sherloc (09022015). Collection method: clinical testing. Allele origin: germline.
Comment: In summary, the available evidence is currently insufficient to determine the role of this variant in disease. Therefore, it has been classified as a Variant of Uncertain Significance. Advanced modeling of protein sequence and biophysical properties (such as structural, functional, and spatial information, amino acid conservation, physicochemical variation, residue mobility, and thermodynamic stability) performed at Invitae indicates that this missense variant is not expected to disrupt SCN4A protein function. ClinVar contains an entry for this variant (Variation ID: 501023). This missense change has been observed in individual(s) with clinical features of periodic paralysis (Invitae). This variant is present in population databases (rs752396330, gnomAD 0.01%). This sequence change replaces threonine, which is neutral and polar, with proline, which is neutral and non-polar, at codon 937 of the SCN4A protein (p.Thr937Pro).

MGZ Medical Genetics Center
Classification: Uncertain significance for Paramyotonia congenita of Von Eulenburg. Last evaluated: 2022-01-17. Review status: criteria provided, single submitter. Criteria: ACMG Guidelines, 2015. Collection method: clinical testing. Allele origin: germline. Affected: yes. Observed: 1 variant allele.
Comment: ACMG criteria applied: PM2_SUP, PP3

Victorian Clinical Genetics Services, Murdoch Childrens Research Institute
Classification: Uncertain significance for SCN4A-related myopathy, autosomal recessive. Last evaluated: 2021-05-06. Review status: criteria provided, single submitter. Criteria: ACMG Guidelines, 2015. Collection method: clinical testing. Allele origin: germline.
Comment: Based on the classification scheme VCGS_Germline_v1.3.4, this variant is classified as 3B-VUS. Following criteria are met: 0103 - Loss of function and gain of function are known mechanisms of disease in this gene and are associated with SCN4A-related disorders. Functional studies of missense variants have demonstrated both a loss and gain of protein function, even for the same phenotype (OMIM). (I) 0108 - This gene is associated with both recessive and dominant disease. Variants in this gene are usually inherited in a dominant manner, however rare reports of recessive inheritance in congential myasthenic syndrome have been reported (OMIM). (I) 0115 - Variants in this gene are known to have variable expressivity. Some individuals carrying pathogenic variants do not present with a typical clinical phenotype, however they do have detectable signs of myotonia on EMG (GeneReviews). (I) 0200 - Variant is predicted to result in a missense amino acid change from threonine to proline. (I) 0251 - This variant is heterozygous. (I) 0302 - Variant is present in gnomAD (v2) <0.001 for a dominant condition (4 heterozygotes, 0 homozygotes). (SP) 0309 - An alternative amino acid change at the same position has been observed in gnomAD (v3) (1 heterozygote, 0 homozygotes). (I) 0502 - Missense variant with conflicting in silico predictions and uninformative conservation. (I) 0600 - Variant is located in the annotated sodium ion transport-associated domain (NCBI). (I) 0705 - No comparable missense variants have previous evidence for pathogenicity. (I) 0809 - Previous evidence of pathogenicity for this variant is inconclusive. The variant has previously been classified as a VUS (ClinVar). (I) 0905 - No published segregation evidence has been identified for this variant. (I) 1007 - No published functional evidence has been identified for this variant. (I) 1208 - Inheritance information for this variant is not currently available in this individual. (I) Legend: (SP) - Supporting pathogenic, (I) - Information, (SB) - Supporting benign

Eurofins Ntd Llc (ga)
Classification: Uncertain significance. Last evaluated: 2017-04-06. Review status: criteria provided, single submitter. Criteria: EGL Classification Definitions 2015. Collection method: clinical testing. Allele origin: germline. Observed: 3 variant alleles, 3 heterozygotes.

NM_000334.4(SCN4A):c.2809A>C (p.Thr937Pro)

Genes: GH-LCR (growth hormone locus control region; plus strand), SCN4A (sodium voltage-gated channel alpha subunit 4; minus strand). Cytogenetic location: 17q23.3.
Variant type: single nucleotide variant.
Coding change: c.2809A>C on transcript NM_000334.4 (MANE Select); coding-DNA position 2809, A replaced by C.
Protein change: p.Thr937Pro; replaces threonine 937 with proline.
Molecular consequence: missense variant.
Genome position (GRCh38, 1-based): chr17:63,951,468, T>G on the plus strand (A>C on the coding strand, the complement: SCN4A is on the minus strand). VCF-style: chr17-63951468-T-G. GRCh37 (hg19) VCF-style: chr17-62028828-T-G.
Other names: short protein forms T937P.
Identifiers: ClinVar variation 501023 (VCV000501023.17), dbSNP rs752396330, ClinGen allele CA8709494.
Genomic context (GRCh38, chr17:63,951,468, plus strand): 5'-CCCAGCCCCGGCTCACCTTGCTATCCTCAGGCTCTGAGAAAGTGTCGGTTTCCTCCTCGG[T>G]GGGCATCTCCAGGTCGGACTCCTCGGAGGCGATGGGCACCTGTATGGTCAGGTAGGGGTT-3'
Protein context (NP_000325.4, residues 927-947): ASEESDLEMP[Thr937Pro]EEETDTFSEP